The following is an entry in ClinVar:

NM_005422.4(TECTA):c.2702A>G (p.Glu901Gly)

Genes: TBCEL-TECTA (TBCEL-TECTA readthrough; plus strand), TECTA (tectorin alpha; plus strand), LOC126861365 (P300/CBP strongly-dependent group 1 enhancer GRCh37_chr11:121000154-121001353; plus strand). Cytogenetic location: 11q23.3.
Variant type: single nucleotide variant.
Coding change: c.2702A>G on transcript NM_005422.4 (MANE Select); coding-DNA position 2702, A replaced by G.
Protein change: p.Glu901Gly; replaces glutamic acid 901 with glycine.
Molecular consequence: missense variant.
Genome position (GRCh38, 1-based): chr11:121,129,972, A>G. VCF-style: chr11-121129972-A-G. GRCh37 (hg19) VCF-style: chr11-121000681-A-G.
Other names: c.3659A>G, p.Glu1220Gly (NM_001378761.1); short protein forms E1220G, E901G.
Identifiers: ClinVar variation 4986327 (VCV004986327.1).

ClinVar aggregate classification (germline): Uncertain significance (1 of 4 stars; one submission).

Conditions:
TECTA-related disorder. Also called: TECTA-related condition.

gnomAD v4.1: 3 of 1,605,910 alleles (0.00019%); highest among the groups gnomAD compares: South Asian, 0.0033%; no homozygotes.

Submission:

PreventionGenetics, part of Exact Sciences
Classification: Uncertain significance for TECTA-related condition. Last evaluated: 2025-02-10. Review status: criteria provided, single submitter. Criteria: ACMG Guidelines, 2015. Collection method: clinical testing. Allele origin: germline.
Comment: The TECTA c.2702A>G variant is predicted to result in the amino acid substitution p.Glu901Gly. To our knowledge, this variant has not been reported in the literature. This variant is reported in 0.0034% of alleles in individuals of South Asian descent in gnomAD. At this time, the clinical significance of this variant is uncertain due to the absence of conclusive functional and genetic evidence.